The following is an entry in ClinVar:

NM_000302.4(PLOD1):c.76+264A>G

Gene: PLOD1 (procollagen-lysine,2-oxoglutarate 5-dioxygenase 1; plus strand). Cytogenetic location: 1p36.22.
Variant type: single nucleotide variant.
Coding change: c.76+264A>G on transcript NM_000302.4 (MANE Select); 264 bases into the intron after coding-DNA position 76, A replaced by G.
Molecular consequence: intron variant.
Genome position (GRCh38, 1-based): chr1:11,935,119, A>G. VCF-style: chr1-11935119-A-G. GRCh37 (hg19) VCF-style: chr1-11995176-A-G.
Other names: c.76+264A>G (NM_001316320.2).
Identifiers: ClinVar variation 683700 (VCV000683700.2), dbSNP rs1208984, ClinGen allele CA10763243.

ClinVar aggregate classification (germline): Benign. Review status: criteria provided, multiple submitters, no conflicts (2 of 4 stars). 2 submissions from 2 submitters: Benign (2). Last evaluated 2018-06-18.

Allele frequency attached by ClinVar (database versions not stated): 1000 Genomes Project 0.38578; 1000 Genomes Project 30x 0.39147; gnomAD 0.41410 and 0.42207; TOPMed 0.41894.
gnomAD v4.1: 63,049 of 152,128 alleles (41%); highest among the groups gnomAD compares: African/African-American, 59%; 14,136 homozygotes.

Submissions (2):

GeneDx
Classification: Benign. Last evaluated: 2018-06-18. Review status: criteria provided, single submitter. Criteria: GeneDx Variant Classification (06012015). Collection method: clinical testing. Allele origin: germline. Affected: yes.
Comment: This variant is considered likely benign or benign based on one or more of the following criteria: it is a conservative change, it occurs at a poorly conserved position in the protein, it is predicted to be benign by multiple in silico algorithms, and/or has population frequency not consistent with disease.

Breakthrough Genomics
Classification: Benign. Review status: criteria provided, single submitter. Criteria: ACMG Guidelines, 2015. Collection method: not provided. Allele origin: germline. Inheritance: Autosomal recessive inheritance. Affected: yes.